The following is an entry in ClinVar:

ClinVar aggregate classification (germline): Uncertain significance (1 of 4 stars; one submission).

Conditions:
Cryopyrin associated periodic syndrome (CAPS). Identifiers: Orphanet 208650, MedGen C2316212, MONDO:0016168.

gnomAD v4.1: 2 of 1,608,670 alleles (0.00012%); highest among the groups gnomAD compares: Non-Finnish European, 0.00017%; no homozygotes.

Submission:

Labcorp Genetics (formerly Invitae), Labcorp
Classification: Uncertain significance for Cryopyrin associated periodic syndrome. Last evaluated: 2025-10-06. Review status: criteria provided, single submitter. Criteria: Invitae Variant Classification Sherloc (09022015). Collection method: clinical testing. Allele origin: germline.
Comment: This sequence change replaces serine, which is neutral and polar, with asparagine, which is neutral and polar, at codon 457 of the NLRP3 protein (p.Ser457Asn). This variant is not present in population databases (gnomAD no frequency). This variant has not been reported in the literature in individuals affected with NLRP3-related conditions. ClinVar contains an entry for this variant (Variation ID: 2050918). Invitae Evidence Modeling of protein sequence and biophysical properties (such as structural, functional, and spatial information, amino acid conservation, physicochemical variation, residue mobility, and thermodynamic stability) indicates that this missense variant is not expected to disrupt NLRP3 protein function with a negative predictive value of 95%. In summary, the available evidence is currently insufficient to determine the role of this variant in disease. Therefore, it has been classified as a Variant of Uncertain Significance.

NM_001243133.2(NLRP3):c.1364G>A (p.Ser455Asn)

Gene: NLRP3 (NLR family pyrin domain containing 3; plus strand). Cytogenetic location: 1q44.
Variant type: single nucleotide variant.
Coding change: c.1364G>A on transcript NM_001243133.2 (MANE Select); coding-DNA position 1364, G replaced by A.
Protein change: p.Ser455Asn; replaces serine 455 with asparagine.
Molecular consequence: missense variant.
Genome position (GRCh38, 1-based): chr1:247,424,813, G>A. VCF-style: chr1-247424813-G-A. GRCh37 (hg19) VCF-style: chr1-247588115-G-A.
Other names: c.1364G>A, p.Ser455Asn (NM_001079821.3, NM_001127461.3, NM_001127462.3 and 1 more transcripts); c.1370G>A, p.Ser457Asn (NM_004895.5); short protein forms S455N, S457N.
Identifiers: ClinVar variation 2050918 (VCV002050918.4), dbSNP rs1230537648, ClinGen allele CA345556726.